The following is an entry in ClinVar:

ClinVar aggregate classification (germline): Likely benign (1 of 4 stars; one submission).

gnomAD v4.1: 961 of 1,614,096 alleles (0.06%); highest among the groups gnomAD compares: African/African-American, 1.1%; 8 homozygotes.

Submission:

CeGaT Center for Human Genetics Tuebingen
Classification: Likely benign. Last evaluated: 2026-05-01. Review status: criteria provided, single submitter. Criteria: CeGaT Center For Human Genetics Tuebingen Variant Classification Criteria Version 2. Collection method: clinical testing. Allele origin: germline. Affected: yes. Observed: 1 variant allele.
Comment: GPR87: BP4, BS1

NM_023915.4(GPR87):c.614C>T (p.Thr205Met)

Genes: GPR87 (G protein-coupled receptor 87; minus strand), MED12L (mediator complex subunit 12L; plus strand). Cytogenetic location: 3q25.1.
Variant type: single nucleotide variant.
Coding change: c.614C>T on transcript NM_023915.4 (MANE Select); coding-DNA position 614, C replaced by T.
Protein change: p.Thr205Met; replaces threonine 205 with methionine.
Molecular consequence: missense variant. On other transcripts: intron variant (2).
Genome position (GRCh38, 1-based): chr3:151,294,632, G>A on the plus strand (C>T on the coding strand, the complement: GPR87 is on the minus strand). VCF-style: chr3-151294632-G-A. GRCh37 (hg19) VCF-style: chr3-151012420-G-A.
Other names: c.2251-55427G>A (NM_001393769.1); c.2146-55427G>A (NM_053002.6); short protein forms T205M.
Identifiers: ClinVar variation 4872453 (VCV004872453.2).